The following is an entry in ClinVar:

ClinVar aggregate classification (germline): Uncertain significance (1 of 4 stars; one submission).

gnomAD v4.1: 4 of 1,550,346 alleles (0.00026%); highest among the groups gnomAD compares: Non-Finnish European, 0.000087%; no homozygotes.

Submission:

Women's Health and Genetics/Laboratory Corporation of America, LabCorp
Classification: Uncertain significance. Last evaluated: 2025-12-01. Review status: criteria provided, single submitter. Criteria: LabCorp Variant Classification Summary - May 2015. Collection method: clinical testing. Allele origin: germline.
Comment: Variant summary: ZNF469 c.11710C>A (p.Pro3904Thr) results in a non-conservative amino acid change in the encoded protein sequence. Algorithms developed to predict the effect of missense changes on protein structure and function are either unavailable or do not agree on the potential impact of this missense change. The variant allele was found at a frequency of 6.5e-06 in 153348 control chromosomes. The available data on variant occurrences in the general population are insufficient to allow any conclusion about variant significance. To our knowledge, no occurrence of c.11710C>A in individuals affected with ZNF469-related conditions and no experimental evidence demonstrating its impact on protein function have been reported. No submitters have cited clinical-significance assessments for this variant to ClinVar. Based on the evidence outlined above, the variant was classified as uncertain significance.

NM_001367624.2(ZNF469):c.11710C>A (p.Pro3904Thr)

Gene: ZNF469 (zinc finger protein 469; plus strand). Cytogenetic location: 16q24.2.
Variant type: single nucleotide variant.
Coding change: c.11710C>A on transcript NM_001367624.2 (MANE Select); coding-DNA position 11710, C replaced by A.
Protein change: p.Pro3904Thr; replaces proline 3904 with threonine.
Molecular consequence: missense variant.
Genome position (GRCh38, 1-based): chr16:88,439,180, C>A. VCF-style: chr16-88439180-C-A. GRCh37 (hg19) VCF-style: chr16-88505588-C-A.
Other names: short protein forms P3904T.
Identifiers: ClinVar variation 4688677 (VCV004688677.1).